The following is an entry in ClinVar:

ClinVar aggregate classification (germline): Uncertain significance (1 of 4 stars; one submission).

Conditions:
Spinocerebellar ataxia type 19/22 (SCA19). Also called: SPINOCEREBELLAR ATAXIA 22; SPINOCEREBELLAR ATAXIA 19. Identifiers: Orphanet 98772, MedGen C1846367, MONDO:0011819, OMIM 607346.

Submission:

Labcorp Genetics (formerly Invitae), Labcorp
Classification: Uncertain significance for Spinocerebellar ataxia type 19/22. Last evaluated: 2022-12-17. Review status: criteria provided, single submitter. Criteria: Invitae Variant Classification Sherloc (09022015). Collection method: clinical testing. Allele origin: germline.
Comment: This sequence change replaces leucine, which is neutral and non-polar, with valine, which is neutral and non-polar, at codon 229 of the KCND3 protein (p.Leu229Val). This variant is not present in population databases (gnomAD no frequency). This variant has not been reported in the literature in individuals affected with KCND3-related conditions. Advanced modeling of protein sequence and biophysical properties (such as structural, functional, and spatial information, amino acid conservation, physicochemical variation, residue mobility, and thermodynamic stability) performed at Invitae indicates that this missense variant is not expected to disrupt KCND3 protein function. In summary, the available evidence is currently insufficient to determine the role of this variant in disease. Therefore, it has been classified as a Variant of Uncertain Significance.

NM_001378969.1(KCND3):c.685C>G (p.Leu229Val)

Gene: KCND3 (potassium voltage-gated channel subfamily D member 3; minus strand). Cytogenetic location: 1p13.2.
Variant type: single nucleotide variant.
Coding change: c.685C>G on transcript NM_001378969.1 (MANE Select); coding-DNA position 685, C replaced by G.
Protein change: p.Leu229Val; replaces leucine 229 with valine.
Molecular consequence: missense variant.
Genome position (GRCh38, 1-based): chr1:111,982,042, G>C on the plus strand (C>G on the coding strand, the complement: KCND3 is on the minus strand). VCF-style: chr1-111982042-G-C. GRCh37 (hg19) VCF-style: chr1-112524664-G-C.
Other names: c.685C>G, p.Leu229Val (NM_001378970.1, NM_004980.5, NM_172198.3); short protein forms L229V.
Identifiers: ClinVar variation 2809533 (VCV002809533.3), dbSNP rs1674975815, ClinGen allele CA341821588.